The following is an entry in ClinVar:

ClinVar aggregate classification (germline): Pathogenic (1 of 4 stars; one submission).

Conditions:
Hereditary breast ovarian cancer syndrome. Also called: Breast and ovarian cancer; BRCA1- and BRCA2-Associated Hereditary Breast and Ovarian Cancer; Hereditary breast and/or ovarian cancer syndrome; Hereditary breast and ovarian cancer; Hereditary breast and ovarian cancer syndrome (HBOC); Hereditary breast and ovarian cancer syndrome. Identifiers: Orphanet 145, MedGen C0677776, MeSH D061325, MONDO:0003582. Disease mechanism: loss of function.

Submission:

Labcorp Genetics (formerly Invitae), Labcorp
Classification: Pathogenic for Hereditary breast ovarian cancer syndrome. Last evaluated: 2024-09-22. Review status: criteria provided, single submitter. Criteria: Invitae Variant Classification Sherloc (09022015). Collection method: clinical testing. Allele origin: germline.
Comment: This sequence change creates a premature translational stop signal (p.Leu2740*) in the BRCA2 gene. It is expected to result in an absent or disrupted protein product. Loss-of-function variants in BRCA2 are known to be pathogenic (PMID: 20104584). This variant is not present in population databases (gnomAD no frequency). This premature translational stop signal has been observed in individual(s) with breast cancer (PMID: 31454914, 32341426). For these reasons, this variant has been classified as Pathogenic.

Literature cited by the submitters: PubMed 20104584; PubMed 31454914; PubMed 32341426.

NM_000059.4(BRCA2):c.8219T>G (p.Leu2740Ter)

Gene: BRCA2 (BRCA2 DNA repair associated; plus strand). Cytogenetic location: 13q13.1.
Variant type: single nucleotide variant.
Coding change: c.8219T>G on transcript NM_000059.4 (MANE Select); coding-DNA position 8219, T replaced by G.
Protein change: p.Leu2740Ter; replaces leucine 2740 with a stop codon.
Molecular consequence: nonsense.
Genome position (GRCh38, 1-based): chr13:32,363,421, T>G. VCF-style: chr13-32363421-T-G. GRCh37 (hg19) VCF-style: chr13-32937558-T-G.
Other names: short protein forms L2740*.
Identifiers: ClinVar variation 3718641 (VCV003718641.2).